The following is an entry in ClinVar:

NM_001134407.3(GRIN2A):c.1123-1G>A

Gene: GRIN2A (glutamate ionotropic receptor NMDA type subunit 2A; minus strand). Cytogenetic location: 16p13.2.
Variant type: single nucleotide variant.
Coding change: c.1123-1G>A on transcript NM_001134407.3 (MANE Select); the canonical splice acceptor site of the intron before coding-DNA position 1123, G replaced by A.
Molecular consequence: splice acceptor variant.
Genome position (GRCh38, 1-based): chr16:9,849,962, C>T on the plus strand (G>A on the coding strand, the complement: GRIN2A is on the minus strand). VCF-style: chr16-9849962-C-T. GRCh37 (hg19) VCF-style: chr16-9943819-C-T.
Other names: c.1123-1G>A (NM_001134408.2, NM_000833.5).
Identifiers: ClinVar variation 839918 (VCV000839918.5), dbSNP rs2042854251, ClinGen allele CA394801370.

ClinVar aggregate classification (germline): Pathogenic (1 of 4 stars; one submission).

Conditions:
Landau-Kleffner syndrome (FESD). Also called: APHASIA, ACQUIRED, WITH EPILEPSY; EPILEPSY, FOCAL, WITH SPEECH DISORDER AND WITH OR WITHOUT MENTAL RETARDATION. Identifiers: Orphanet 1945, Orphanet 725, Orphanet 98818, MedGen C0282512, MONDO:0009509, OMIM 245570.

Submission:

Labcorp Genetics (formerly Invitae), Labcorp
Classification: Pathogenic for Landau-Kleffner syndrome. Last evaluated: 2019-05-18. Review status: criteria provided, single submitter. Criteria: Invitae Variant Classification Sherloc (09022015). Collection method: clinical testing. Allele origin: germline.
Comment: This sequence change affects an acceptor splice site in intron 5 of the GRIN2A gene. It is expected to disrupt RNA splicing and likely results in an absent or disrupted protein product. This variant is not present in population databases (ExAC no frequency). Disruption of this splice site has been observed to segregate with Landau-Kleffner syndrome in a family (PMID: 23933820). Donor and acceptor splice site variants typically lead to a loss of protein function (PMID: 16199547), and loss-of-function variants in GRIN2A are known to be pathogenic (PMID: 23933819, 23933820). For these reasons, this variant has been classified as Pathogenic.

Literature cited by the submitters: PubMed 23933820; PubMed 16199547; PubMed 23933819.